The following is an entry in ClinVar:

NM_152564.5(VPS13B):c.9745del (p.Ile3249fs)

Gene: VPS13B (vacuolar protein sorting 13 homolog B; plus strand). Cytogenetic location: 8q22.2.
Variant type: Deletion.
Coding change: c.9745del on transcript NM_152564.5 (MANE Select); coding-DNA position 9745, one base deleted (A; older notation c.9745delA).
Protein change: p.Ile3249fs; shifts the reading frame from isoleucine 3249.
Molecular consequence: frameshift variant.
Genome position (GRCh38, 1-based): chr8:99,835,541, A deleted. VCF-style (leftmost placement, unchanged base first): chr8-99835540-TA-T. GRCh37 (hg19) VCF-style: chr8-100847768-TA-T.
Other names: c.9820del, p.Ile3274fs (NM_017890.5); short protein forms I3249fs, I3274fs.
Identifiers: ClinVar variation 2864323 (VCV002864323.3), dbSNP rs2492123085, ClinGen allele CA2739268886.

ClinVar aggregate classification (germline): Pathogenic (1 of 4 stars; one submission).

Conditions:
Cohen syndrome (COH1). Also called: Cutis verticis gyrata, retinitis pigmentosa, and sensorineural deafness; PEPPER SYNDROME. Identifiers: Orphanet 193, MedGen C0265223, MONDO:0008999, OMIM 216550.

Submission:

Labcorp Genetics (formerly Invitae), Labcorp
Classification: Pathogenic for Cohen syndrome. Last evaluated: 2023-05-15. Review status: criteria provided, single submitter. Criteria: Invitae Variant Classification Sherloc (09022015). Collection method: clinical testing. Allele origin: germline.
Comment: For these reasons, this variant has been classified as Pathogenic. This variant has not been reported in the literature in individuals affected with VPS13B-related conditions. This variant is not present in population databases (gnomAD no frequency). This sequence change creates a premature translational stop signal (p.Ile3274Phefs*42) in the VPS13B gene. It is expected to result in an absent or disrupted protein product. Loss-of-function variants in VPS13B are known to be pathogenic (PMID: 15141358, 16648375, 20461111).

Literature cited by the submitters: PubMed 15141358; PubMed 16648375; PubMed 20461111.